The following is an entry in ClinVar:

ClinVar aggregate classification (germline): Uncertain significance (1 of 4 stars; one submission).

Conditions:
Dilated cardiomyopathy 1AA (CMD1AA). Also called: CARDIOMYOPATHY, DILATED, 1AA, WITH OR WITHOUT LEFT VENTRICULAR NONCOMPACTION; CARDIOMYOPATHY, FAMILIAL HYPERTROPHIC, 23, WITH OR WITHOUT LEFT VENTRICULAR NONCOMPACTION; Cardiomyopathy, dilated, 1AA, with or without LVNC. Identifiers: Orphanet 154, MedGen C2677338, MONDO:0012808, OMIM 612158.
Primary familial hypertrophic cardiomyopathy (HCM). Identifiers: Orphanet 99739, MedGen C0949658, MeSH D024741, MONDO:0024573. Inheritance: Various modes of inheritance.

Submission:

Labcorp Genetics (formerly Invitae), Labcorp
Classification: Uncertain significance for Primary familial hypertrophic cardiomyopathy; Dilated cardiomyopathy 1AA. Last evaluated: 2021-07-26. Review status: criteria provided, single submitter. Criteria: Invitae Variant Classification Sherloc (09022015). Collection method: clinical testing. Allele origin: germline.
Comment: In summary, the available evidence is currently insufficient to determine the role of this variant in disease. Therefore, it has been classified as a Variant of Uncertain Significance. Algorithms developed to predict the effect of missense changes on protein structure and function (SIFT, PolyPhen-2, Align-GVGD) all suggest that this variant is likely to be disruptive. This variant has not been reported in the literature in individuals affected with ACTN2-related conditions. This variant is not present in population databases (ExAC no frequency). This sequence change replaces isoleucine with asparagine at codon 234 of the ACTN2 protein (p.Ile234Asn). The isoleucine residue is highly conserved and there is a large physicochemical difference between isoleucine and asparagine.

NM_001103.4(ACTN2):c.701T>A (p.Ile234Asn)

Gene: ACTN2 (actinin alpha 2; plus strand). Cytogenetic location: 1q43.
Variant type: single nucleotide variant.
Coding change: c.701T>A on transcript NM_001103.4 (MANE Select); coding-DNA position 701, T replaced by A.
Protein change: p.Ile234Asn; replaces isoleucine 234 with asparagine.
Molecular consequence: missense variant. On other transcripts: 5 prime UTR variant (1), intron variant (1).
Genome position (GRCh38, 1-based): chr1:236,735,638, T>A. VCF-style: chr1-236735638-T-A. GRCh37 (hg19) VCF-style: chr1-236898938-T-A.
Other names: c.-35T>A (NM_001278344.2); c.783+1120T>A (NM_001278343.2); short protein forms I234N.
Identifiers: ClinVar variation 1407338 (VCV001407338.8), dbSNP rs2102916925, ClinGen allele CA345377268.